The following is an entry in ClinVar:

NM_003098.3(SNTA1):c.452C>T (p.Ala151Val)

Gene: SNTA1 (syntrophin alpha 1; minus strand). Cytogenetic location: 20q11.21.
Variant type: single nucleotide variant.
Coding change: c.452C>T on transcript NM_003098.3 (MANE Select); coding-DNA position 452, C replaced by T.
Protein change: p.Ala151Val; replaces alanine 151 with valine.
Molecular consequence: missense variant.
Genome position (GRCh38, 1-based): chr20:33,438,885, G>A on the plus strand (C>T on the coding strand, the complement: SNTA1 is on the minus strand). VCF-style: chr20-33438885-G-A. GRCh37 (hg19) VCF-style: chr20-32026691-G-A.
Other names: short protein forms A151V.
Identifiers: ClinVar variation 222825 (VCV000222825.7), dbSNP rs772936861, ClinGen allele CA354880.

ClinVar aggregate classification (germline): Conflicting classifications of pathogenicity. Review status: criteria provided, conflicting classifications (1 of 4 stars). 2 submissions from 2 submitters: Uncertain significance (1); Likely benign (1). Last evaluated 2025-10-02.

Conditions:
Cardiovascular phenotype. Identifiers: MedGen CN230736.
Long QT syndrome (LQTS). Identifiers: MedGen C0023976, MeSH D008133, MONDO:0002442. Disease mechanism: loss of function. Inheritance: Various modes of inheritance.

Allele frequency attached by ClinVar (database versions not stated): gnomAD exomes 0.00001; gnomAD 0.00003 and 0.00004; ExAC 0.00002; TOPMed 0.00002.
gnomAD v4.1: 15 of 1,613,864 alleles (0.00093%); highest among the groups gnomAD compares: African/African-American, 0.012%; no homozygotes.

Submissions (2):

Ambry Genetics
Classification: Likely benign for Cardiovascular phenotype. Last evaluated: 2025-10-02. Review status: criteria provided, single submitter. Criteria: Ambry Variant Classification Scheme 2023. Collection method: clinical testing. Allele origin: germline.

Labcorp Genetics (formerly Invitae), Labcorp
Classification: Uncertain significance for Long QT syndrome. Last evaluated: 2024-04-12. Review status: criteria provided, single submitter. Criteria: Invitae Variant Classification Sherloc (09022015). Collection method: clinical testing. Allele origin: germline.
Comment: This sequence change replaces alanine, which is neutral and non-polar, with valine, which is neutral and non-polar, at codon 151 of the SNTA1 protein (p.Ala151Val). This variant is present in population databases (rs772936861, gnomAD 0.02%). This variant has not been reported in the literature in individuals affected with SNTA1-related conditions. ClinVar contains an entry for this variant (Variation ID: 222825). Advanced modeling of protein sequence and biophysical properties (such as structural, functional, and spatial information, amino acid conservation, physicochemical variation, residue mobility, and thermodynamic stability) performed at Invitae indicates that this missense variant is not expected to disrupt SNTA1 protein function with a negative predictive value of 80%. In summary, the available evidence is currently insufficient to determine the role of this variant in disease. Therefore, it has been classified as a Variant of Uncertain Significance.